The following is an entry in ClinVar:

ClinVar aggregate classification (germline): Likely pathogenic (1 of 4 stars; one submission).

Conditions:
Primary ciliary dyskinesia. Also called: Ciliary dyskinesia. Identifiers: Orphanet 244, MedGen C0008780, MONDO:0016575, HP:0012265.

Allele frequency attached by ClinVar (database versions not stated): gnomAD exomes below 0.00001; ExAC 0.00001.
gnomAD v4.1: 4 of 1,614,116 alleles (0.00025%); highest among the groups gnomAD compares: South Asian, 0.0044%; no homozygotes.

Submission:

Labcorp Genetics (formerly Invitae), Labcorp
Classification: Likely pathogenic for Primary ciliary dyskinesia. Last evaluated: 2020-03-14. Review status: criteria provided, single submitter. Criteria: Invitae Variant Classification Sherloc (09022015). Collection method: clinical testing. Allele origin: germline.
Comment: In summary, the currently available evidence indicates that the variant is pathogenic, but additional data are needed to prove that conclusively. Therefore, this variant has been classified as Likely Pathogenic. This sequence change affects a donor splice site in intron 3 of the RSPH9 gene. It is expected to disrupt RNA splicing and likely results in an absent or disrupted protein product. This variant is present in population databases (rs762292335, ExAC 0.006%). This variant has not been reported in the literature in individuals with RSPH9-related conditions. Donor and acceptor splice site variants typically lead to a loss of protein function (PMID: 16199547), and loss-of-function variants in RSPH9 are known to be pathogenic (PMID: 19200523, 23993197).

Literature cited by the submitters: PubMed 16199547; PubMed 19200523; PubMed 23993197.

NM_152732.5(RSPH9):c.523+1G>C

Gene: RSPH9 (radial spoke head component 9; plus strand). Cytogenetic location: 6p21.1.
Variant type: single nucleotide variant.
Coding change: c.523+1G>C on transcript NM_152732.5 (MANE Select); the canonical splice donor site of the intron after coding-DNA position 523, G replaced by C.
Molecular consequence: splice donor variant.
Genome position (GRCh38, 1-based): chr6:43,655,692, G>C. VCF-style: chr6-43655692-G-C. GRCh37 (hg19) VCF-style: chr6-43623429-G-C.
Other names: c.523+1G>C (NM_001424119.1, NM_001424121.1); c.478+1G>C (NM_001193341.2, NM_001424120.1).
Identifiers: ClinVar variation 937838 (VCV000937838.9), dbSNP rs762292335, ClinGen allele CA3828316.